The following is an entry in ClinVar:

NM_000454.5(SOD1):c.281G>C (p.Gly94Ala)

Gene: SOD1 (superoxide dismutase 1; plus strand). Cytogenetic location: 21q22.11.
Variant type: single nucleotide variant.
Coding change: c.281G>C on transcript NM_000454.5 (MANE Select); coding-DNA position 281, G replaced by C.
Protein change: p.Gly94Ala; replaces glycine 94 with alanine.
Molecular consequence: missense variant.
Genome position (GRCh38, 1-based): chr21:31,667,299, G>C. VCF-style: chr21-31667299-G-C. GRCh37 (hg19) VCF-style: chr21-33039612-G-C.
Other names: G93A; short protein forms G94A.
Identifiers: ClinVar variation 14760 (VCV000014760.5), dbSNP rs121912438, ClinGen allele CA257327.

ClinVar aggregate classification (germline): Pathogenic. Review status: criteria provided, single submitter (1 of 4 stars). 2 submissions from 2 submitters: Pathogenic (1). 1 of the submissions does not count toward it. Last evaluated 2025-09-16.

Conditions:
Amyotrophic lateral sclerosis type 1 (ALS1). Also called: AMYOTROPHIC LATERAL SCLEROSIS 1, FAMILIAL. Identifiers: Orphanet 803, MedGen C1862939, MONDO:0007103, OMIM 105400.

Submissions (2):

Labcorp Genetics (formerly Invitae), Labcorp
Classification: Pathogenic for Amyotrophic lateral sclerosis type 1. Last evaluated: 2025-09-16. Review status: criteria provided, single submitter. Criteria: Invitae Variant Classification Sherloc (09022015). Collection method: clinical testing. Allele origin: germline.
Comment: This sequence change replaces glycine, which is neutral and non-polar, with alanine, which is neutral and non-polar, at codon 94 of the SOD1 protein (p.Gly94Ala). This variant is present in population databases (rs121912438, gnomAD 0.002%). This missense change has been observed in individual(s) with familial amyotrophic lateral sclerosis (PMID: 8446170, 15258228, 23541756). This variant is also known as p.Gly93Ala or G93A. ClinVar contains an entry for this variant (Variation ID: 14760). Invitae Evidence Modeling of protein sequence and biophysical properties (such as structural, functional, and spatial information, amino acid conservation, physicochemical variation, residue mobility, and thermodynamic stability) indicates that this missense variant is expected to disrupt SOD1 protein function with a positive predictive value of 95%. Experimental studies have shown that this missense change affects SOD1 function (PMID: 8650157, 12482932, 15050437, 15208263, 19483195, 33381076). This variant disrupts the p.Gly94 amino acid residue in SOD1. Other variant(s) that disrupt this residue have been determined to be pathogenic (PMID: 9029070, 18273717, 21120636, 24325798). This suggests that this residue is clinically significant, and that variants that disrupt this residue are likely to be disease-causing. For these reasons, this variant has been classified as Pathogenic.

OMIM
Classification: Pathogenic for AMYOTROPHIC LATERAL SCLEROSIS 1. Last evaluated: 1997-07-25. Review status: no assertion criteria provided. Collection method: literature only. Allele origin: germline. Not counted in ClinVar's aggregate classification.

Literature cited by the submitters: PubMed 8446170 (cited by Labcorp Genetics (formerly Invitae), Labcorp and OMIM); PubMed 15258228 (cited by Labcorp Genetics (formerly Invitae), Labcorp); PubMed 23541756 (cited by Labcorp Genetics (formerly Invitae), Labcorp); PubMed 8650157 (cited by Labcorp Genetics (formerly Invitae), Labcorp and OMIM); PubMed 12482932 (cited by Labcorp Genetics (formerly Invitae), Labcorp); PubMed 15050437 (cited by Labcorp Genetics (formerly Invitae), Labcorp); PubMed 15208263 (cited by Labcorp Genetics (formerly Invitae), Labcorp); PubMed 19483195 (cited by Labcorp Genetics (formerly Invitae), Labcorp); PubMed 33381076 (cited by Labcorp Genetics (formerly Invitae), Labcorp); PubMed 9029070 (cited by Labcorp Genetics (formerly Invitae), Labcorp); PubMed 18273717 (cited by Labcorp Genetics (formerly Invitae), Labcorp); PubMed 21120636 (cited by Labcorp Genetics (formerly Invitae), Labcorp); PubMed 24325798 (cited by Labcorp Genetics (formerly Invitae), Labcorp); PubMed 9228005 (cited by OMIM); PubMed 8560268 (cited by OMIM).